The following is an entry in ClinVar:

ClinVar aggregate classification (germline): Pathogenic/Likely pathogenic. Review status: criteria provided, multiple submitters, no conflicts (2 of 4 stars). 2 submissions from 2 submitters: Pathogenic (1); Likely pathogenic (1). Last evaluated 2022-10-31.

Conditions:
COL17A1-related disorder. Also called: COL17A1-related condition.
Junctional epidermolysis bullosa. Identifiers: Orphanet 305, MedGen C0079301, MONDO:0017612.

Submissions (2):

PreventionGenetics, part of Exact Sciences
Classification: Likely pathogenic for COL17A1-related condition. Last evaluated: 2022-10-31. Review status: criteria provided, single submitter. Criteria: ACMG Guidelines, 2015. Collection method: clinical testing. Allele origin: germline.
Comment: The COL17A1 c.3766+1G>A variant is predicted to disrupt the GT donor site and interfere with normal splicing. This variant was reported in the homozygous state in multiple individuals with epidermolysis bullosa, and segregated with disease in one large family (Varki et al 2006. PubMed ID: 16473856; Whittock NV et al 2003. PubMed ID: 14614394). This variant has not been reported in a large population database, indicating it is rare. Variants that disrupt consensus splice acceptor in COL17A1 are expected to be pathogenic. This variant is interpreted as likely pathogenic.

Biomedical Innovation Departament, CIEMAT
Classification: Pathogenic for Epidermolysis bullosa junctionalis. Last evaluated: 2009-09-28. Review status: criteria provided, single submitter. Criteria: ACMG Guidelines, 2015. Collection method: research. Allele origin: germline. Affected: yes. Observed: 2 variant alleles.

NM_000494.4(COL17A1):c.3766+1G>A

Gene: COL17A1 (collagen type XVII alpha 1 chain; minus strand). Cytogenetic location: 10q25.1.
Variant type: single nucleotide variant.
Coding change: c.3766+1G>A on transcript NM_000494.4 (MANE Select); the canonical splice donor site of the intron after coding-DNA position 3766, G replaced by A.
Molecular consequence: splice donor variant.
Genome position (GRCh38, 1-based): chr10:104,034,620, C>T on the plus strand (G>A on the coding strand, the complement: COL17A1 is on the minus strand). VCF-style: chr10-104034620-C-T. GRCh37 (hg19) VCF-style: chr10-105794378-C-T.
Other names: c.3766+1G>A (NM_000494.3).
Identifiers: ClinVar variation 1047966 (VCV001047966.2), dbSNP rs2086256572, ClinGen allele CA378065897.